The following is an entry in ClinVar:

NM_000256.3(MYBPC3):c.1842C>G (p.Tyr614Ter)

Gene: MYBPC3 (myosin binding protein C3; minus strand). Cytogenetic location: 11p11.2.
Variant type: single nucleotide variant.
Coding change: c.1842C>G on transcript NM_000256.3 (MANE Select); coding-DNA position 1842, C replaced by G.
Protein change: p.Tyr614Ter; replaces tyrosine 614 with a stop codon.
Molecular consequence: nonsense.
Genome position (GRCh38, 1-based): chr11:47,341,193, G>C on the plus strand (C>G on the coding strand, the complement: MYBPC3 is on the minus strand). VCF-style: chr11-47341193-G-C. GRCh37 (hg19) VCF-style: chr11-47362744-G-C.
Other names: short protein forms Y614*.
Identifiers: ClinVar variation 3658412 (VCV003658412.2).
Genomic context (GRCh38, chr11:47,341,193, plus strand): 5'-CTCACCCATGAAGTGGAGCTTGGCTGACAGGTTGCAGGCGAAGCCCTCGGGCACAAAGCT[G>C]TAGTCAGCCTCGTCGGCAGGTGTGACGTCGTCAATGGTCAGTTTGTGGACCCTGCAGGGG-3'

ClinVar aggregate classification (germline): Pathogenic (1 of 4 stars; one submission).

Conditions:
Hypertrophic cardiomyopathy. Also called: HYPERTROPHIC MYOCARDIOPATHY. Identifiers: Orphanet 217569, MedGen C0007194, MeSH D002312, MONDO:0005045, HP:0001639.

Submission:

Labcorp Genetics (formerly Invitae), Labcorp
Classification: Pathogenic for Hypertrophic cardiomyopathy. Last evaluated: 2024-12-26. Review status: criteria provided, single submitter. Criteria: Invitae Variant Classification Sherloc (09022015). Collection method: clinical testing. Allele origin: germline.
Comment: This sequence change creates a premature translational stop signal (p.Tyr614*) in the MYBPC3 gene. It is expected to result in an absent or disrupted protein product. Loss-of-function variants in MYBPC3 are known to be pathogenic (PMID: 19574547). This variant is not present in population databases (gnomAD no frequency). This variant has not been reported in the literature in individuals affected with MYBPC3-related conditions. For these reasons, this variant has been classified as Pathogenic.

Literature cited by the submitters: PubMed 19574547.